The following is an entry in ClinVar:

NM_002519.3(NPAT):c.1276A>G (p.Lys426Glu)

Gene: NPAT (nuclear protein, coactivator of histone transcription; minus strand). Cytogenetic location: 11q22.3.
Variant type: single nucleotide variant.
Coding change: c.1276A>G on transcript NM_002519.3 (MANE Select); coding-DNA position 1276, A replaced by G.
Protein change: p.Lys426Glu; replaces lysine 426 with glutamic acid.
Molecular consequence: missense variant.
Genome position (GRCh38, 1-based): chr11:108,173,708, T>C on the plus strand (A>G on the coding strand, the complement: NPAT is on the minus strand). VCF-style: chr11-108173708-T-C. GRCh37 (hg19) VCF-style: chr11-108044435-T-C.
Other names: c.1276A>G, p.Lys426Glu (NM_001321307.1); short protein forms K426E.
Identifiers: ClinVar variation 2747967 (VCV002747967.3), dbSNP rs2496721941, ClinGen allele CA382515773.

ClinVar aggregate classification (germline): Uncertain significance (1 of 4 stars; one submission).

Submission:

Labcorp Genetics (formerly Invitae), Labcorp
Classification: Uncertain significance. Last evaluated: 2023-07-28. Review status: criteria provided, single submitter. Criteria: Invitae Variant Classification Sherloc (09022015). Collection method: clinical testing. Allele origin: germline.
Comment: In summary, the available evidence is currently insufficient to determine the role of this variant in disease. Therefore, it has been classified as a Variant of Uncertain Significance. Algorithms developed to predict the effect of missense changes on protein structure and function output the following: SIFT: "Not Available"; PolyPhen-2: "Benign"; Align-GVGD: "Not Available". The glutamic acid amino acid residue is found in multiple mammalian species, which suggests that this missense change does not adversely affect protein function. This variant has not been reported in the literature in individuals affected with NPAT-related conditions. This variant is not present in population databases (gnomAD no frequency). This sequence change replaces lysine, which is basic and polar, with glutamic acid, which is acidic and polar, at codon 426 of the NPAT protein (p.Lys426Glu).